The following is an entry in ClinVar:

ClinVar aggregate classification (germline): Benign/Likely benign. Review status: criteria provided, multiple submitters, no conflicts (2 of 4 stars). 5 submissions from 5 submitters: Benign (1); Likely benign (4). Last evaluated 2025-10-31.

Conditions:
Hereditary cancer-predisposing syndrome. Also called: Tumor predisposition; Hereditary Cancer Syndrome; Hereditary neoplastic syndrome; Neoplastic Syndromes, Hereditary. Identifiers: Orphanet 140162, MedGen C0027672, MeSH D009386, MONDO:0015356.
Multiple endocrine neoplasia, type 2 (MEN2). Identifiers: Orphanet 653, MedGen C4048306, MONDO:0019003. Disease mechanism: gain of function.
Multiple endocrine neoplasia type 2A. Also called: Multiple Endocrine Neoplasia Type 2A (MEN2A); MULTIPLE ENDOCRINE NEOPLASIA, TYPE IIA; PTC SYNDROME; SIPPLE SYNDROME; MEN 2A; MEN-2A syndrome. Identifiers: Orphanet 247698, Orphanet 653, MedGen C0025268, MeSH D018813, MONDO:0008234, OMIM 171400.

Allele frequency attached by ClinVar (database versions not stated): gnomAD exomes below 0.00001.
gnomAD v4.1: 4 of 1,613,652 alleles (0.00025%); highest among the groups gnomAD compares: Non-Finnish European, 0.00034%; no homozygotes.

Submissions (5):

Women's Health and Genetics/Laboratory Corporation of America, LabCorp
Classification: Likely benign. Last evaluated: 2025-10-31. Review status: criteria provided, single submitter. Criteria: LabCorp Variant Classification Summary - May 2015. Collection method: clinical testing. Allele origin: germline.

Labcorp Genetics (formerly Invitae), Labcorp
Classification: Likely benign for Multiple endocrine neoplasia, type 2. Last evaluated: 2025-05-22. Review status: criteria provided, single submitter. Criteria: Invitae Variant Classification Sherloc (09022015). Collection method: clinical testing. Allele origin: germline.

Myriad Genetics, Inc.
Classification: Benign for Multiple endocrine neoplasia type 2A. Last evaluated: 2025-02-25. Review status: criteria provided, single submitter. Criteria: Myriad Autosomal Dominant, Autosomal Recessive and X-Linked Classification Criteria (2023). Collection method: clinical testing. Allele origin: unknown.
Comment: This variant is considered benign. This variant is a silent/synonymous amino acid change and it is not expected to impact splicing.

All of Us Research Program, National Institutes of Health
Classification: Likely benign for Multiple endocrine neoplasia, type 2. Last evaluated: 2024-05-14. Review status: criteria provided, single submitter. Criteria: ACMG Guidelines, 2015. Collection method: clinical testing. Allele origin: germline. Inheritance: Autosomal dominant inheritance. Observed: 1 variant allele, 1 heterozygote.
Comment: This study involves interpretation of variants in research participants for the purpose of population health screening. Participant phenotype was not available at the time of variant classification. Additional details can be found in publication PMID: 35346344, PMCID: PMC8962531

Ambry Genetics
Classification: Likely benign for Hereditary cancer-predisposing syndrome. Last evaluated: 2016-04-05. Review status: criteria provided, single submitter. Criteria: Ambry Variant Classification Scheme 2023. Collection method: clinical testing. Allele origin: germline.

NM_020975.6(RET):c.1041G>T (p.Val347=)

Gene: RET (ret proto-oncogene; plus strand). Cytogenetic location: 10q11.21.
Variant type: single nucleotide variant.
Coding change: c.1041G>T on transcript NM_020975.6 (MANE Select); coding-DNA position 1041, G replaced by T.
Protein change: p.Val347=; no amino-acid change (valine 347 retained).
Molecular consequence: synonymous variant. On other transcripts: intron variant (25).
Genome position (GRCh38, 1-based): chr10:43,106,549, G>T. VCF-style: chr10-43106549-G-T. GRCh37 (hg19) VCF-style: chr10-43601997-G-T.
Other names: c.1041G>T, p.Val347= (NM_000323.2, NM_001406743.1, NM_001406744.1 and 6 more transcripts); c.279G>T, p.Val93= (NM_001355216.2); c.912G>T, p.Val304= (NM_001406761.1, NM_001406762.1, NM_001406764.1 and 1 more transcripts); c.753G>T, p.Val251= (NM_001406766.1, NM_001406767.1, NM_001406770.1); c.867+1356G>T (NM_001406772.1, NM_001406769.1); c.626-2482G>T (NM_001406773.1, NM_001406771.1); c.625+3920G>T (NM_001406782.1, NM_001406780.1, NM_001406779.1 and 3 more transcripts); c.738+1356G>T (NM_001406774.1); and 5 more.
Identifiers: ClinVar variation 486337 (VCV000486337.18), dbSNP rs1191152389, ClinGen allele CA469024036.